The following is an entry in ClinVar:

ClinVar aggregate classification (germline): Likely benign. Review status: criteria provided, multiple submitters, no conflicts (2 of 4 stars). 2 submissions from 2 submitters: Likely benign (2). Last evaluated 2023-02-24.

Conditions:
Cardiomyopathy (CMYO). Also called: Cardiomyopathies. Identifiers: Orphanet 167848, MedGen C0878544, MONDO:0004994, HP:0001638. Inheritance: Various modes of inheritance.
Hypertrophic cardiomyopathy. Also called: HYPERTROPHIC MYOCARDIOPATHY. Identifiers: Orphanet 217569, MedGen C0007194, MeSH D002312, MONDO:0005045, HP:0001639.

Allele frequency attached by ClinVar (database versions not stated): gnomAD exomes below 0.00001.
gnomAD v4.1: 1 of 1,608,964 alleles (0.000062%); highest among the groups gnomAD compares: East Asian, 0.0022%; no homozygotes.

Submissions (2):

All of Us Research Program, National Institutes of Health
Classification: Likely benign for Hypertrophic cardiomyopathy. Last evaluated: 2023-02-24. Review status: criteria provided, single submitter. Criteria: ACMG Guidelines, 2015. Collection method: clinical testing. Allele origin: germline. Inheritance: Autosomal dominant inheritance. Observed: 1 variant allele, 1 heterozygote.
Comment: This study involves interpretation of variants in research participants for the purpose of population health screening. Participant phenotype was not available at the time of variant classification. Additional details can be found in publication PMID: 35346344, PMCID: PMC8962531

Color Diagnostics, LLC DBA Color Health
Classification: Likely benign for Cardiomyopathy. Last evaluated: 2019-11-12. Review status: criteria provided, single submitter. Criteria: ACMG Guidelines, 2015. Collection method: clinical testing. Allele origin: germline.

NM_000256.3(MYBPC3):c.963G>C (p.Val321=)

Gene: MYBPC3 (myosin binding protein C3; minus strand). Cytogenetic location: 11p11.2.
Variant type: single nucleotide variant.
Coding change: c.963G>C on transcript NM_000256.3 (MANE Select); coding-DNA position 963, G replaced by C.
Protein change: p.Val321=; no amino-acid change (valine 321 retained).
Molecular consequence: synonymous variant.
Genome position (GRCh38, 1-based): chr11:47,346,334, C>G on the plus strand (G>C on the coding strand, the complement: MYBPC3 is on the minus strand). VCF-style: chr11-47346334-C-G. GRCh37 (hg19) VCF-style: chr11-47367885-C-G.
Identifiers: ClinVar variation 924543 (VCV000924543.3), dbSNP rs1359648001, ClinGen allele CA474220980.